The following is an entry in ClinVar:

ClinVar aggregate classification (germline): Uncertain significance. Review status: criteria provided, multiple submitters, no conflicts (2 of 4 stars). 3 submissions from 3 submitters: Uncertain significance (3). Last evaluated 2025-11-18.

Conditions:
Inborn genetic diseases. Identifiers: MedGen C0950123, MeSH D030342.

Allele frequency attached by ClinVar (database versions not stated): gnomAD exomes below 0.00001.
gnomAD v4.1: 1 of 1,613,780 alleles (0.000062%); highest among the groups gnomAD compares: Non-Finnish European, 0.000085%; no homozygotes.

Submissions (3):

Labcorp Genetics (formerly Invitae), Labcorp
Classification: Uncertain significance. Last evaluated: 2025-11-18. Review status: criteria provided, single submitter. Criteria: Invitae Variant Classification Sherloc (09022015). Collection method: clinical testing. Allele origin: germline.
Comment: This sequence change replaces proline, which is neutral and non-polar, with threonine, which is neutral and polar, at codon 19 of the ETV6 protein (p.Pro19Thr). This variant is not present in population databases (gnomAD no frequency). This variant has not been reported in the literature in individuals affected with ETV6-related conditions. ClinVar contains an entry for this variant (Variation ID: 1308295). An algorithm developed to predict the effect of missense changes on protein structure and function (PolyPhen-2) suggests that this variant is likely to be disruptive. In summary, the available evidence is currently insufficient to determine the role of this variant in disease. Therefore, it has been classified as a Variant of Uncertain Significance.

Ambry Genetics
Classification: Uncertain significance for Inborn genetic diseases. Last evaluated: 2025-04-12. Review status: criteria provided, single submitter. Criteria: Ambry Variant Classification Scheme 2023. Collection method: clinical testing. Allele origin: germline.
Comment: The p.P19T variant (also known as c.55C>A), located in coding exon 2 of the ETV6 gene, results from a C to A substitution at nucleotide position 55. The proline at codon 19 is replaced by threonine, an amino acid with highly similar properties. This amino acid position is conserved. In addition, this alteration is predicted to be tolerated by in silico analysis. Based on the available evidence, the clinical significance of this variant remains unclear.

GeneDx
Classification: Uncertain significance. Last evaluated: 2019-03-25. Review status: criteria provided, single submitter. Criteria: GeneDx Variant Classification Process June 2021. Collection method: clinical testing. Allele origin: germline. Affected: yes.
Comment: Not observed in large population cohorts (Lek et al., 2016); In silico analysis, which includes protein predictors and evolutionary conservation, supports that this variant does not alter protein structure/function; Has not been previously published as pathogenic or benign to our knowledge

NM_001987.5(ETV6):c.55C>A (p.Pro19Thr)

Gene: ETV6 (ETS variant transcription factor 6; plus strand). Cytogenetic location: 12p13.2.
Variant type: single nucleotide variant.
Coding change: c.55C>A on transcript NM_001987.5 (MANE Select); coding-DNA position 55, C replaced by A.
Protein change: p.Pro19Thr; replaces proline 19 with threonine.
Molecular consequence: missense variant.
Genome position (GRCh38, 1-based): chr12:11,752,471, C>A. VCF-style: chr12-11752471-C-A. GRCh37 (hg19) VCF-style: chr12-11905405-C-A.
Other names: short protein forms P19T.
Identifiers: ClinVar variation 1308295 (VCV001308295.4), dbSNP rs2121067453, ClinGen allele CA384041487.